The following is an entry in ClinVar:

NM_194318.4(B3GLCT):c.335C>T (p.Pro112Leu)

Gene: B3GLCT (beta 3-glucosyltransferase; plus strand). Cytogenetic location: 13q12.3.
Variant type: single nucleotide variant.
Coding change: c.335C>T on transcript NM_194318.4 (MANE Select); coding-DNA position 335, C replaced by T.
Protein change: p.Pro112Leu; replaces proline 112 with leucine.
Molecular consequence: missense variant.
Genome position (GRCh38, 1-based): chr13:31,247,087, C>T. VCF-style: chr13-31247087-C-T. GRCh37 (hg19) VCF-style: chr13-31821224-C-T.
Other names: short protein forms P112L.
Identifiers: ClinVar variation 1371999 (VCV001371999.3), dbSNP rs372324692, ClinGen allele CA6936554.

ClinVar aggregate classification (germline): Uncertain significance (1 of 4 stars; one submission).

Conditions:
Peters plus syndrome. Also called: KRAUSE-KIVLIN SYNDROME. Identifiers: Orphanet 709, MedGen C0796012, MONDO:0009856, OMIM 261540.

Allele frequency attached by ClinVar (database versions not stated): gnomAD 0.00002; ExAC 0.00003; gnomAD exomes 0.00003; TOPMed 0.00003; ESP Exome Variant Server 0.00008.
gnomAD v4.1: 65 of 1,612,888 alleles (0.004%); highest among the groups gnomAD compares: Middle Eastern, 0.017%; no homozygotes.

Submission:

Labcorp Genetics (formerly Invitae), Labcorp
Classification: Uncertain significance for Peters plus syndrome. Last evaluated: 2022-10-13. Review status: criteria provided, single submitter. Criteria: Invitae Variant Classification Sherloc (09022015). Collection method: clinical testing. Allele origin: germline.
Comment: This sequence change replaces proline, which is neutral and non-polar, with leucine, which is neutral and non-polar, at codon 112 of the B3GLCT protein (p.Pro112Leu). This variant is present in population databases (rs372324692, gnomAD 0.01%). This variant has not been reported in the literature in individuals affected with B3GLCT-related conditions. ClinVar contains an entry for this variant (Variation ID: 1371999). Advanced modeling of protein sequence and biophysical properties (such as structural, functional, and spatial information, amino acid conservation, physicochemical variation, residue mobility, and thermodynamic stability) performed at Invitae indicates that this missense variant is expected to disrupt B3GLCT protein function. Algorithms developed to predict the effect of sequence changes on RNA splicing suggest that this variant may disrupt the consensus splice site. In summary, the available evidence is currently insufficient to determine the role of this variant in disease. Therefore, it has been classified as a Variant of Uncertain Significance.